The following is an entry in ClinVar:

ClinVar aggregate classification (germline): Pathogenic/Likely pathogenic. Review status: criteria provided, multiple submitters, no conflicts (2 of 4 stars). 3 submissions from 3 submitters: Pathogenic (2); Likely pathogenic (1). Last evaluated 2019-06-27.

Conditions:
CHARGE syndrome (CHARGE). Also called: Hittner Hirsch Kreh syndrome; CHARGE ASSOCIATION--COLOBOMA, HEART ANOMALY, CHOANAL ATRESIA, RETARDATION, GENITAL AND EAR ANOMALIES; Coloboma, heart anomaly, choanal atresia, retardation, genital and ear anomalies; CHARGE association; Hall-Hittner syndrome. Identifiers: Orphanet 138, MedGen C0265354, MONDO:0008965.

Submissions (3):

Institute of Human Genetics Munich, TUM University Hospital
Classification: Pathogenic for CHD7-related CHARGE syndrome. Last evaluated: 2019-06-27. Review status: criteria provided, single submitter. Criteria: Classification criteria August 2017. Collection method: clinical testing. Allele origin: de novo. Inheritance: Autosomal dominant inheritance. Affected: yes. Observed: 1 variant allele.

Labcorp Genetics (formerly Invitae), Labcorp
Classification: Pathogenic for CHARGE syndrome. Last evaluated: 2017-04-18. Review status: criteria provided, single submitter. Criteria: Invitae Variant Classification Sherloc (09022015). Collection method: clinical testing. Allele origin: germline.
Comment: For these reasons, this variant has been classified as Pathogenic. Loss-of-function variants in CHD7 are known to be pathogenic. This particular variant has been reported in the literature in individuals affected with CHARGE syndrome (PMID: 22461308). This sequence change creates a premature translational stop signal at codon 579 (p.Gln579*) of the CHD7 gene. It is expected to result in an absent or disrupted protein product.

Lifecell International Pvt. Ltd
Classification: Likely pathogenic for CHD7-related CHARGE syndrome. Review status: criteria provided, single submitter. Criteria: ACMG Guidelines, 2015. Collection method: clinical testing. Allele origin: germline. Inheritance: Autosomal dominant inheritance. Affected: yes. Observed: 1 heterozygote.
Comment: A Heterozygous Nonsense variant c.1735C>T in Exon 3 of the CHD7 gene that results in the amino acid substitution p.Gln579* was identified. The observed variant novel in gnomAD exomes and genomes, respectively. The severity of the impact of this variant on the protein is high, based on the effect of the protein and REVEL score . Rare Exome Variant Ensemble Learner (REVEL) is an ensembl method for predicting the pathogenicity of missense variants based on a combination of scores from 13 individual tools: MutPred, FATHMM v2.3, VEST 3.0, PolyPhen-2, SIFT, PROVEAN, MutationAssessor, MutationTaster, LRT, GERP++, SiPhy, phyloP, and phastCons. The REVEL score for an individual missense variant can range from 0 to 1, with higher scores reflecting greater likelihood that the variant is disease-causing. ClinVar has also classified this variant as Pathogenic (variant ID: 459542). For this reasons, this variant has been classified as Likely Pathogenic according to the ACMG guidelines.

Literature cited by the submitters: PubMed 22461308 (cited by Labcorp Genetics (formerly Invitae), Labcorp).

NM_017780.4(CHD7):c.1735C>T (p.Gln579Ter)

Genes: CHD7 (chromodomain helicase DNA binding protein 7; plus strand), LOC126860403 (CDK7 strongly-dependent group 2 enhancer GRCh37_chr8:61693034-61694233; plus strand). Cytogenetic location: 8q12.2.
Variant type: single nucleotide variant.
Coding change: c.1735C>T on transcript NM_017780.4 (MANE Select); coding-DNA position 1735, C replaced by T.
Protein change: p.Gln579Ter; replaces glutamine 579 with a stop codon.
Molecular consequence: nonsense. On other transcripts: intron variant (1).
Genome position (GRCh38, 1-based): chr8:60,781,069, C>T. VCF-style: chr8-60781069-C-T. GRCh37 (hg19) VCF-style: chr8-61693628-C-T.
Other names: c.1716+19C>T (NM_001316690.1); short protein forms Q579*.
Identifiers: ClinVar variation 459542 (VCV000459542.12), dbSNP rs780953224, ClinGen allele CA371311641.